The following is an entry in ClinVar:

NM_005334.3(HCFC1):c.3807_3812del (p.1270VT[1])

Gene: HCFC1 (host cell factor C1; minus strand). Cytogenetic location: Xq28.
Variant type: Deletion.
Coding change: c.3807_3812del on transcript NM_005334.3 (MANE Select); coding-DNA positions 3807 to 3812, 6 bases deleted (AGTGAC; older notation c.3807_3812delAGTGAC).
Protein change: p.1270VT[1].
Molecular consequence: inframe deletion. On other transcripts: inframe indel (1).
Genome position (GRCh38, 1-based): chrX:153,954,587-153,954,592, GTCACT deleted on the plus strand (AGTGAC on the coding strand, the reverse complement: HCFC1 is on the minus strand); deleting any 6 consecutive bases within chrX:153,954,587-153,954,594 gives the same sequence; the c. name uses the placement nearest the transcript's 3' end. VCF-style (leftmost placement, unchanged base first): chrX-153954586-AGTCACT-A. GRCh37 (hg19) VCF-style: chrX-153220037-AGTCACT-A.
Other names: c.3805_3810delACAGTG, p.Val1272_Thr1273del (NM_001410705.1).
Identifiers: ClinVar variation 1899603 (VCV001899603.5), dbSNP rs2521544632, ClinGen allele CA2580101725.

ClinVar aggregate classification (germline): Uncertain significance (1 of 4 stars; one submission).

Conditions:
Methylmalonic acidemia with homocystinuria, type cblX (MAHCX). Also called: INTELLECTUAL DEVELOPMENTAL DISORDER, X-LINKED 3. Identifiers: Orphanet 369962, MedGen C0796208, MONDO:0010657, OMIM 309541.

Submission:

Labcorp Genetics (formerly Invitae), Labcorp
Classification: Uncertain significance for Methylmalonic acidemia with homocystinuria, type cblX. Last evaluated: 2022-02-18. Review status: criteria provided, single submitter. Criteria: Invitae Variant Classification Sherloc (09022015). Collection method: clinical testing. Allele origin: germline.
Comment: This variant, c.3807_3812del, results in the deletion of 2 amino acid(s) of the HCFC1 protein (p.Val1272_Thr1273del), but otherwise preserves the integrity of the reading frame. This variant is not present in population databases (gnomAD no frequency). This variant has not been reported in the literature in individuals affected with HCFC1-related conditions. Experimental studies and prediction algorithms are not available or were not evaluated, and the functional significance of this variant is currently unknown. In summary, the available evidence is currently insufficient to determine the role of this variant in disease. Therefore, it has been classified as a Variant of Uncertain Significance.